The following is an entry in ClinVar:

ClinVar aggregate classification (germline): Likely benign. Review status: criteria provided, multiple submitters, no conflicts (2 of 4 stars). 3 submissions from 3 submitters: Likely benign (2). 1 of the submissions does not count toward it. Last evaluated 2020-11-27.

Conditions:
Frontotemporal dementia and/or amyotrophic lateral sclerosis 7 (FTDALS7). Also called: AMYOTROPHIC LATERAL SCLEROSIS, CHMP2B-RELATED; CHMP2B-Related Frontotemporal Dementia-Amyotrophic Lateral Sclerosis; Amyotrophic lateral sclerosis 17; CHMP2B-related frontotemporal dementia. Identifiers: Orphanet 275864, Orphanet 282, Orphanet 803, MedGen C1833296, MONDO:0010936, OMIM 600795.
CHMP2B-related disorder. Also called: CHMP2B-related condition.

Allele frequency attached by ClinVar (database versions not stated): gnomAD exomes 0.00001 and 0.00002; ExAC 0.00003; gnomAD 0.00003 and 0.00006; TOPMed 0.00008; ESP Exome Variant Server 0.00015.
gnomAD v4.1: 18 of 1,612,406 alleles (0.0011%); highest among the groups gnomAD compares: African/African-American, 0.021%; no homozygotes.

Submissions (3):

Athena Diagnostics
Classification: Likely benign. Last evaluated: 2020-11-27. Review status: criteria provided, single submitter. Criteria: Athena Diagnostics criteria. Collection method: clinical testing. Allele origin: unknown.

Labcorp Genetics (formerly Invitae), Labcorp
Classification: Likely benign for Frontotemporal Dementia, Chromosome 3-Linked; Amyotrophic lateral sclerosis 17. Last evaluated: 2019-12-31. Review status: criteria provided, single submitter. Criteria: Invitae Variant Classification Sherloc (09022015). Collection method: clinical testing. Allele origin: germline.

PreventionGenetics, part of Exact Sciences
Classification: Likely benign for CHMP2B-related condition. Last evaluated: 2024-06-27. Review status: no assertion criteria provided. Collection method: clinical testing. Allele origin: germline. Not counted in ClinVar's aggregate classification.
Comment: This variant is classified as likely benign based on ACMG/AMP sequence variant interpretation guidelines (Richards et al. 2015 PMID: 25741868, with internal and published modifications).

NM_014043.4(CHMP2B):c.111A>G (p.Lys37=)

Gene: CHMP2B (charged multivesicular body protein 2B; plus strand). Cytogenetic location: 3p11.2.
Variant type: single nucleotide variant.
Coding change: c.111A>G on transcript NM_014043.4 (MANE Select); coding-DNA position 111, A replaced by G.
Protein change: p.Lys37=; no amino-acid change (lysine 37 retained).
Molecular consequence: synonymous variant. On other transcripts: intron variant (1).
Genome position (GRCh38, 1-based): chr3:87,240,775, A>G. VCF-style: chr3-87240775-A-G. GRCh37 (hg19) VCF-style: chr3-87289925-A-G.
Other names: c.4-4939A>G (NM_001244644.2).
Identifiers: ClinVar variation 786504 (VCV000786504.6), dbSNP rs376846232, ClinGen allele CA2500893.